The following is an entry in ClinVar:

ClinVar aggregate classification (germline): Uncertain significance. Review status: criteria provided, multiple submitters, no conflicts (2 of 4 stars). 2 submissions from 2 submitters: Uncertain significance (2). Last evaluated 2025-10-23.

Allele frequency attached by ClinVar (database versions not stated): gnomAD 0.00001; gnomAD exomes 0.00001; TOPMed 0.00001.

Submissions (2):

Ambry Genetics
Classification: Uncertain significance. Last evaluated: 2025-10-23. Review status: criteria provided, single submitter. Criteria: Ambry Variant Classification Scheme 2023. Collection method: clinical testing. Allele origin: germline.

Labcorp Genetics (formerly Invitae), Labcorp
Classification: Uncertain significance. Last evaluated: 2023-05-20. Review status: criteria provided, single submitter. Criteria: Invitae Variant Classification Sherloc (09022015). Collection method: clinical testing. Allele origin: germline.
Comment: This variant is not present in population databases (gnomAD no frequency). In summary, the available evidence is currently insufficient to determine the role of this variant in disease. Therefore, it has been classified as a Variant of Uncertain Significance. Advanced modeling of protein sequence and biophysical properties (such as structural, functional, and spatial information, amino acid conservation, physicochemical variation, residue mobility, and thermodynamic stability) performed at Invitae indicates that this missense variant is expected to disrupt SLC44A4 protein function. This variant has not been reported in the literature in individuals affected with SLC44A4-related conditions. This sequence change replaces phenylalanine, which is neutral and non-polar, with serine, which is neutral and polar, at codon 225 of the SLC44A4 protein (p.Phe225Ser).

NM_025257.3(SLC44A4):c.674T>C (p.Phe225Ser)

Gene: SLC44A4 (solute carrier family 44 member 4; minus strand). Cytogenetic location: 6p21.33.
Variant type: single nucleotide variant.
Coding change: c.674T>C on transcript NM_025257.3 (MANE Select); coding-DNA position 674, T replaced by C.
Protein change: p.Phe225Ser; replaces phenylalanine 225 with serine.
Molecular consequence: missense variant.
Genome position (GRCh38, 1-based): chr6:31,871,341, A>G on the plus strand (T>C on the coding strand, the complement: SLC44A4 is on the minus strand). VCF-style: chr6-31871341-A-G. GRCh37 (hg19) VCF-style: chr6-31839118-A-G.
Other names: c.548T>C, p.Phe183Ser (NM_001178044.2); c.446T>C, p.Phe149Ser (NM_001178045.2); c.674T>C, p.Phe225Ser (NM_032794.1); c.674T>C (NM_025257.2); short protein forms F225S, F149S, F183S.
Identifiers: ClinVar variation 3022053 (VCV003022053.4), dbSNP rs1273883932, ClinGen allele CA363373620.